The following is an entry in ClinVar:

ClinVar aggregate classification (germline): Conflicting classifications of pathogenicity. Review status: criteria provided, conflicting classifications (1 of 4 stars). 3 submissions from 3 submitters: Likely pathogenic (1); Uncertain significance (2). Last evaluated 2023-08-08.

Conditions:
Cardiovascular phenotype. Identifiers: MedGen CN230736.
Long QT syndrome (LQTS). Identifiers: MedGen C0023976, MeSH D008133, MONDO:0002442. Disease mechanism: loss of function. Inheritance: Various modes of inheritance.

Allele frequency attached by ClinVar (database versions not stated): gnomAD exomes below 0.00001; TOPMed below 0.00001; gnomAD 0.00001.

Submissions (3):

All of Us Research Program, National Institutes of Health
Classification: Uncertain significance for Long QT syndrome. Last evaluated: 2023-08-08. Review status: criteria provided, single submitter. Criteria: ACMG Guidelines, 2015. Collection method: clinical testing. Allele origin: germline. Inheritance: Autosomal dominant inheritance. Observed: 1 variant allele, 1 heterozygote.
Comment: This missense variant replaces serine with phenylalanine at codon 276 of the KCNQ1 protein. Computational prediction suggests that this variant may have deleterious impact on protein structure and function (internally defined REVEL score threshold >= 0.7, PMID: 27666373). To our knowledge, functional studies have not been reported for this variant. This variant has not been reported in individuals affected with KCNQ1-related disorders in the literature. This variant has not been identified in the general population by the Genome Aggregation Database (gnomAD). The available evidence is insufficient to determine the role of this variant in disease conclusively. Therefore, this variant is classified as a Variant of Uncertain Significance.

This study involves interpretation of variants in research participants for the purpose of population health screening. Participant phenotype was not available at the time of variant classification. Additional details can be found in publication PMID: 35346344, PMCID: PMC8962531

Ambry Genetics
Classification: Uncertain significance for Cardiovascular phenotype. Last evaluated: 2021-07-13. Review status: criteria provided, single submitter. Criteria: Ambry Variant Classification Scheme 2023. Collection method: clinical testing. Allele origin: germline.
Comment: The p.S276F variant (also known as c.827C>T), located in coding exon 6 of the KCNQ1 gene, results from a C to T substitution at nucleotide position 827. The serine at codon 276 is replaced by phenylalanine, an amino acid with highly dissimilar properties, and is located in the transmembrane S5 domain. This amino acid position is highly conserved in available vertebrate species. In addition, this alteration is predicted to be deleterious by in silico analysis. Since supporting evidence is limited at this time, the clinical significance of this alteration remains unclear.

GeneDx
Classification: Likely pathogenic. Last evaluated: 2012-05-25. Review status: criteria provided, single submitter. Criteria: GeneDx Variant Classification (06012015). Collection method: clinical testing. Allele origin: germline. Affected: yes.
Comment: p.Ser276Phe (TCC>TTC): c.827 C>T in exon 6 of the KCNQ1 gene (NM_000218.2). The Ser276Phe variant in the KCNQ1 gene has not been reported previously as a disease-causing mutation or as a benign polymorphism, to our knowledge. Ser276Phe results in a non-conservative amino acid substitution of a neutral, polar Serine with a non-polar Phenylalanine at a residue that is conserved across species. In silico analysis predicts Ser276Phe is probably damaging to the protein structure/function. In addition, mutations in nearby residues (Phe275Ser, Ser277Leu, Ser277Pro, Ser277Trp) have been reported in association with LQTS, supporting the functional importance of this region of the protein. The Ser276Phe variant was not observed in approximately 6,500 individuals of European and African American ancestry in the NHLBI Exome Sequencing Project, indicating it is not a common benign variant in these populations. In summary, while the clinical significance of Ser276Phe in the KCNQ1 gene is currently unknown, the evidence suggests it is a good candidate for a disease-causing mutation. The variant is found in LQT panel(s).

NM_000218.3(KCNQ1):c.827C>T (p.Ser276Phe)

Gene: KCNQ1 (potassium voltage-gated channel subfamily Q member 1; plus strand). Cytogenetic location: 11p15.5.
Variant type: single nucleotide variant.
Coding change: c.827C>T on transcript NM_000218.3 (MANE Select); coding-DNA position 827, C replaced by T.
Protein change: p.Ser276Phe; replaces serine 276 with phenylalanine.
Molecular consequence: missense variant.
Genome position (GRCh38, 1-based): chr11:2,572,892, C>T. VCF-style: chr11-2572892-C-T. GRCh37 (hg19) VCF-style: chr11-2594122-C-T.
Other names: p.S276F:TCC>TTC; c.827C>T, p.Ser276Phe (NM_001406836.1); c.557C>T, p.Ser186Phe (NM_001406837.1); c.446C>T, p.Ser149Phe (NM_181798.2); short protein forms S149F, S276F, S186F.
Identifiers: ClinVar variation 200823 (VCV000200823.7), dbSNP rs794728514, ClinGen allele CA008405.